The following is an entry in ClinVar:

NM_003824.4(FADD):c.623C>T (p.Ser208Phe)

Gene: FADD (Fas associated via death domain; plus strand). Cytogenetic location: 11q13.3.
Variant type: single nucleotide variant.
Coding change: c.623C>T on transcript NM_003824.4 (MANE Select); coding-DNA position 623, C replaced by T.
Protein change: p.Ser208Phe; replaces serine 208 with phenylalanine.
Molecular consequence: missense variant.
Genome position (GRCh38, 1-based): chr11:70,206,469, C>T. VCF-style: chr11-70206469-C-T. GRCh37 (hg19) VCF-style: chr11-70052575-C-T.
Other names: short protein forms S208F.
Identifiers: ClinVar variation 1482860 (VCV001482860.8), dbSNP rs2135900136, ClinGen allele CA381666627.

ClinVar aggregate classification (germline): Uncertain significance (1 of 4 stars; one submission).

Conditions:
FADD-related immunodeficiency. Also called: Infections, recurrent, with encephalopathy, hepatic dysfunction, and cardiovascular malformations; FADD DEFICIENCY. Identifiers: Orphanet 306550, MedGen C3151062, MONDO:0013408, OMIM 613759.

Submission:

Labcorp Genetics (formerly Invitae), Labcorp
Classification: Uncertain significance for FADD-related immunodeficiency. Last evaluated: 2022-08-16. Review status: criteria provided, single submitter. Criteria: Invitae Variant Classification Sherloc (09022015). Collection method: clinical testing. Allele origin: germline.
Comment: In summary, the available evidence is currently insufficient to determine the role of this variant in disease. Therefore, it has been classified as a Variant of Uncertain Significance. Algorithms developed to predict the effect of missense changes on protein structure and function are either unavailable or do not agree on the potential impact of this missense change (SIFT: "Deleterious"; PolyPhen-2: "Probably Damaging"; Align-GVGD: "Class C0"). ClinVar contains an entry for this variant (Variation ID: 1482860). This variant has not been reported in the literature in individuals affected with FADD-related conditions. This variant is not present in population databases (gnomAD no frequency). This sequence change replaces serine, which is neutral and polar, with phenylalanine, which is neutral and non-polar, at codon 208 of the FADD protein (p.Ser208Phe).